The following is an entry in ClinVar:

ClinVar aggregate classification (germline): Uncertain significance. Review status: criteria provided, multiple submitters, no conflicts (2 of 4 stars). 2 submissions from 2 submitters: Uncertain significance (2). Last evaluated 2025-08-29.

Conditions:
Inborn genetic diseases. Identifiers: MedGen C0950123, MeSH D030342.

Allele frequency attached by ClinVar (database versions not stated): gnomAD exomes below 0.00001; TOPMed 0.00001.
gnomAD v4.1: 1 of 1,613,996 alleles (0.000062%); highest among the groups gnomAD compares: Non-Finnish European, 0.000085%; no homozygotes.

Submissions (2):

Ambry Genetics
Classification: Uncertain significance for Inborn genetic diseases. Last evaluated: 2025-08-29. Review status: criteria provided, single submitter. Criteria: Ambry Variant Classification Scheme 2023. Collection method: clinical testing. Allele origin: germline.

Labcorp Genetics (formerly Invitae), Labcorp
Classification: Uncertain significance. Last evaluated: 2024-12-16. Review status: criteria provided, single submitter. Criteria: Invitae Variant Classification Sherloc (09022015). Collection method: clinical testing. Allele origin: germline.
Comment: This sequence change replaces leucine, which is neutral and non-polar, with proline, which is neutral and non-polar, at codon 815 of the MCM3AP protein (p.Leu815Pro). This variant is not present in population databases (gnomAD no frequency). This variant has not been reported in the literature in individuals affected with MCM3AP-related conditions. ClinVar contains an entry for this variant (Variation ID: 1991319). An algorithm developed to predict the effect of missense changes on protein structure and function (PolyPhen-2) suggests that this variant is likely to be disruptive. In summary, the available evidence is currently insufficient to determine the role of this variant in disease. Therefore, it has been classified as a Variant of Uncertain Significance.

NM_003906.5(MCM3AP):c.2444T>C (p.Leu815Pro)

Gene: MCM3AP (minichromosome maintenance complex component 3 associated protein; minus strand). Cytogenetic location: 21q22.3.
Variant type: single nucleotide variant.
Coding change: c.2444T>C on transcript NM_003906.5 (MANE Select); coding-DNA position 2444, T replaced by C.
Protein change: p.Leu815Pro; replaces leucine 815 with proline.
Molecular consequence: missense variant.
Genome position (GRCh38, 1-based): chr21:46,272,582, A>G on the plus strand (T>C on the coding strand, the complement: MCM3AP is on the minus strand). VCF-style: chr21-46272582-A-G. GRCh37 (hg19) VCF-style: chr21-47692496-A-G.
Other names: c.2444T>C (NM_003906.3); short protein forms L815P.
Identifiers: ClinVar variation 1991319 (VCV001991319.4), dbSNP rs1384913462, ClinGen allele CA410523774.